The following is an entry in ClinVar:

NM_001301834.1(C12orf57):c.-15-185A>G

Gene: C12orf57 (chromosome 12 open reading frame 57; plus strand). Cytogenetic location: 12p13.31.
Variant type: single nucleotide variant.
Coding change: c.-15-185A>G on transcript NM_001301834.1; 185 bases into the intron before 15 bases upstream of the start codon, A replaced by G.
Molecular consequence: intron variant.
Genome position (GRCh38, 1-based): chr12:6,943,922, A>G. VCF-style: chr12-6943922-A-G. GRCh37 (hg19) VCF-style: chr12-7053085-A-G.
Other names: c.13+260A>G (NM_001301836.2).
Identifiers: ClinVar variation 1273736 (VCV001273736.6), dbSNP rs3087835, ClinGen allele CA13612829.
Genomic context (GRCh38, chr12:6,943,922, plus strand): 5'-TTTACCGGAAAGCCCCTCTTATGATGTTTGTTGCCAATGATAGATTGTTTTCACTGTGCA[A>G]AAATTATGGGTAGTTTTGGTGGTCTTGATGCAGTTGTAAGCTTGGGGTATGAAGGTTTGG-3'

ClinVar aggregate classification (germline): Benign. Review status: criteria provided, multiple submitters, no conflicts (2 of 4 stars). 3 submissions from 3 submitters: Benign (3). Last evaluated 2024-01-24.

Allele frequency attached by ClinVar (database versions not stated): TOPMed 0.47278; 1000 Genomes Project 30x 0.47361; 1000 Genomes Project 0.46506.
gnomAD v4.1: 433,123 of 1,311,574 alleles (33%); highest among the groups gnomAD compares: African/African-American, 80%; 80,536 homozygotes.

Submissions (3):

Unidad de Genómica Garrahan, Hospital de Pediatría Garrahan
Classification: Benign. Last evaluated: 2024-01-24. Review status: criteria provided, single submitter. Criteria: ACMG Guidelines, 2015. Collection method: clinical testing. Allele origin: germline. Affected: no. Observed: 58 variant alleles.
Comment: This variant is classified as Benign based on local population frequency. This variant was detected in 61% of patients studied by a panel of primary immunodeficiencies. Number of patients: 58. Only high quality variants are reported.

GeneDx
Classification: Benign. Last evaluated: 2018-11-10. Review status: criteria provided, single submitter. Criteria: GeneDx Variant Classification Process June 2021. Collection method: clinical testing. Allele origin: germline. Affected: yes.

Breakthrough Genomics
Classification: Benign. Review status: criteria provided, single submitter. Criteria: ACMG Guidelines, 2015. Collection method: not provided. Allele origin: germline. Inheritance: Autosomal recessive inheritance. Affected: yes.